The following is an entry in ClinVar:

ClinVar aggregate classification (germline): Uncertain significance. Review status: criteria provided, multiple submitters, no conflicts (2 of 4 stars). 2 submissions from 2 submitters: Uncertain significance (2). Last evaluated 2025-08-05.

Conditions:
Inborn genetic diseases. Identifiers: MedGen C0950123, MeSH D030342.

Allele frequency attached by ClinVar (database versions not stated): ExAC 0.00001; gnomAD exomes 0.00002; gnomAD 0.00014 and 0.00015.

Submissions (2):

Ambry Genetics
Classification: Uncertain significance for Inborn genetic diseases. Last evaluated: 2025-08-05. Review status: criteria provided, single submitter. Criteria: Ambry Variant Classification Scheme 2023. Collection method: clinical testing. Allele origin: germline.

Labcorp Genetics (formerly Invitae), Labcorp
Classification: Uncertain significance. Last evaluated: 2022-07-18. Review status: criteria provided, single submitter. Criteria: Invitae Variant Classification Sherloc (09022015). Collection method: clinical testing. Allele origin: germline.
Comment: This sequence change replaces glycine, which is neutral and non-polar, with serine, which is neutral and polar, at codon 421 of the TRAIP protein (p.Gly421Ser). This variant is present in population databases (rs756563521, gnomAD 0.03%). This variant has not been reported in the literature in individuals affected with TRAIP-related conditions. ClinVar contains an entry for this variant (Variation ID: 1052614). Algorithms developed to predict the effect of missense changes on protein structure and function are either unavailable or do not agree on the potential impact of this missense change (SIFT: "Tolerated"; PolyPhen-2: "Probably Damaging"; Align-GVGD: "Class C0"). Algorithms developed to predict the effect of sequence changes on RNA splicing suggest that this variant may create or strengthen a splice site. In summary, the available evidence is currently insufficient to determine the role of this variant in disease. Therefore, it has been classified as a Variant of Uncertain Significance.

NM_005879.3(TRAIP):c.1261G>A (p.Gly421Ser)

Gene: TRAIP (TRAF interacting protein; minus strand). Cytogenetic location: 3p21.31.
Variant type: single nucleotide variant.
Coding change: c.1261G>A on transcript NM_005879.3 (MANE Select); coding-DNA position 1261, G replaced by A.
Protein change: p.Gly421Ser; replaces glycine 421 with serine.
Molecular consequence: missense variant.
Genome position (GRCh38, 1-based): chr3:49,829,484, C>T on the plus strand (G>A on the coding strand, the complement: TRAIP is on the minus strand). VCF-style: chr3-49829484-C-T. GRCh37 (hg19) VCF-style: chr3-49866917-C-T.
Other names: c.1261G>A (NM_005879.2); short protein forms G421S.
Identifiers: ClinVar variation 1052614 (VCV001052614.5), dbSNP rs756563521, ClinGen allele CA2407550.